The following is an entry in ClinVar:

NM_001379500.1(COL18A1):c.928+1G>A

Gene: COL18A1 (collagen type XVIII alpha 1 chain; plus strand). Cytogenetic location: 21q22.3.
Variant type: single nucleotide variant.
Coding change: c.928+1G>A on transcript NM_001379500.1 (MANE Select); the canonical splice donor site of the intron after coding-DNA position 928, G replaced by A.
Molecular consequence: splice donor variant.
Genome position (GRCh38, 1-based): chr21:45,476,481, G>A. VCF-style: chr21-45476481-G-A. GRCh37 (hg19) VCF-style: chr21-46896395-G-A.
Other names: c.2173+1G>A (NM_130444.3); c.1468+1G>A (NM_030582.4).
Identifiers: ClinVar variation 3641314 (VCV003641314.2).

ClinVar aggregate classification (germline): Likely pathogenic (1 of 4 stars; one submission).

gnomAD v4.1: 4 of 1,601,426 alleles (0.00025%); highest among the groups gnomAD compares: Admixed American, 0.0017%; no homozygotes.

Submission:

Labcorp Genetics (formerly Invitae), Labcorp
Classification: Likely pathogenic. Last evaluated: 2024-03-04. Review status: criteria provided, single submitter. Criteria: Invitae Variant Classification Sherloc (09022015). Collection method: clinical testing. Allele origin: germline.
Comment: This sequence change affects a donor splice site in intron 6 of the COL18A1 gene. It is expected to disrupt RNA splicing. Variants that disrupt the donor or acceptor splice site typically lead to a loss of protein function (PMID: 16199547), and loss-of-function variants in COL18A1 are known to be pathogenic (PMID: 12415512, 25456301). This variant is not present in population databases (gnomAD no frequency). This variant has not been reported in the literature in individuals affected with COL18A1-related conditions. Algorithms developed to predict the effect of sequence changes on RNA splicing suggest that this variant may disrupt the consensus splice site. In summary, the currently available evidence indicates that the variant is pathogenic, but additional data are needed to prove that conclusively. Therefore, this variant has been classified as Likely Pathogenic.

Literature cited by the submitters: PubMed 16199547; PubMed 12415512; PubMed 25456301.